The following is an entry in ClinVar:

NM_032043.3(BRIP1):c.2676T>A (p.Leu892=)

Gene: BRIP1 (BRCA1 interacting DNA helicase 1; minus strand). Cytogenetic location: 17q23.2.
Variant type: single nucleotide variant.
Coding change: c.2676T>A on transcript NM_032043.3 (MANE Select); coding-DNA position 2676, T replaced by A.
Protein change: p.Leu892=; no amino-acid change (leucine 892 retained).
Molecular consequence: synonymous variant.
Genome position (GRCh38, 1-based): chr17:61,686,065, A>T on the plus strand (T>A on the coding strand, the complement: BRIP1 is on the minus strand). VCF-style: chr17-61686065-A-T. GRCh37 (hg19) VCF-style: chr17-59763426-A-T.
Identifiers: ClinVar variation 3378879 (VCV003378879.3).
Genomic context (GRCh38, chr17:61,686,065, plus strand): 5'-GGTCACTTCAAGTGTAGACTCATTGTCCTGTATATTGGTTCTGTCCTTTATGGATACATT[A>T]AGAACTTTTTGATGCTTTTTGGAAAATTCAGCCAAGGATTCCAGTGCACTTTCAAAGGTT-3'
Protein context (NP_114432.2, residues 882-902): AEFSKKHQKV[Leu892=]NVSIKDRTNI

ClinVar aggregate classification (germline): Benign/Likely benign. Review status: criteria provided, multiple submitters, no conflicts (2 of 4 stars). 2 submissions from 2 submitters: Benign (1); Likely benign (1). Last evaluated 2024-09-24.

Conditions:
Fanconi anemia complementation group J. Also called: BRIP1-Related Fanconi Anemia. Identifiers: Orphanet 84, MedGen C1836860, MONDO:0012187, OMIM 609054.
Familial cancer of breast. Also called: hereditary breast carcinoma; BREAST CANCER, FAMILIAL; Hereditary breast cancer. Identifiers: Orphanet 227535, MedGen C0346153, MONDO:0016419, OMIM 114480. Disease mechanism: loss of function.

Submissions (2):

Labcorp Genetics (formerly Invitae), Labcorp
Classification: Likely benign for Familial cancer of breast; Fanconi anemia complementation group J. Last evaluated: 2024-09-24. Review status: criteria provided, single submitter. Criteria: Invitae Variant Classification Sherloc (09022015). Collection method: clinical testing. Allele origin: germline.

Myriad Genetics, Inc.
Classification: Benign for Familial cancer of breast. Last evaluated: 2024-09-05. Review status: criteria provided, single submitter. Criteria: Myriad Autosomal Dominant, Autosomal Recessive and X-Linked Classification Criteria (2023). Collection method: clinical testing. Allele origin: unknown.
Comment: This variant is considered benign. This variant is a silent/synonymous amino acid change and it is not expected to impact splicing.